The following is an entry in ClinVar:

ClinVar aggregate classification (germline): Uncertain significance. Review status: criteria provided, multiple submitters, no conflicts (2 of 4 stars). 2 submissions from 2 submitters: Uncertain significance (2). Last evaluated 2026-02-27.

Conditions:
Inborn genetic diseases. Identifiers: MedGen C0950123, MeSH D030342.

gnomAD v4.1: 48 of 1,614,190 alleles (0.003%); highest among the groups gnomAD compares: African/African-American, 0.055%; no homozygotes.

Submissions (2):

GeneDx
Classification: Uncertain significance. Last evaluated: 2026-02-27. Review status: criteria provided, single submitter. Criteria: GeneDx Variant Classification Process June 2021. Collection method: clinical testing. Allele origin: germline.
Comment: In silico analysis supports that this missense variant has a deleterious effect on protein structure/function; Has not been previously published as pathogenic or benign to our knowledge

Ambry Genetics
Classification: Uncertain significance for Inborn genetic diseases. Last evaluated: 2024-12-05. Review status: criteria provided, single submitter. Criteria: Ambry Variant Classification Scheme 2023. Collection method: clinical testing. Allele origin: germline.

NM_152753.4(SCUBE3):c.2024G>T (p.Ser675Ile)

Genes: SCUBE3 (signal peptide, CUB domain and EGF like domain containing 3; plus strand), LOC126859661 (CDK7 strongly-dependent group 2 enhancer GRCh37_chr6:35211069-35212268; plus strand). Cytogenetic location: 6p21.31.
Variant type: single nucleotide variant.
Coding change: c.2024G>T on transcript NM_152753.4 (MANE Select); coding-DNA position 2024, G replaced by T.
Protein change: p.Ser675Ile; replaces serine 675 with isoleucine.
Molecular consequence: missense variant.
Genome position (GRCh38, 1-based): chr6:35,243,708, G>T. VCF-style: chr6-35243708-G-T. GRCh37 (hg19) VCF-style: chr6-35211485-G-T.
Other names: c.2021G>T, p.Ser674Ile (NM_001303136.2); short protein forms S674I, S675I.
Identifiers: ClinVar variation 3438553 (VCV003438553.2).